The following is an entry in ClinVar:

ClinVar aggregate classification (germline): Uncertain significance. Review status: criteria provided, multiple submitters, no conflicts (2 of 4 stars). 2 submissions from 2 submitters: Uncertain significance (2). Last evaluated 2024-12-13.

Conditions:
Cardiovascular phenotype. Identifiers: MedGen CN230736.
Brugada syndrome. Also called: Sudden unexpected nocturnal death syndrome; Sudden unexplained nocturnal death syndrome; Sudden Unexplained Death Syndrome; Sudden Unexplained Nocturnal Death Syndrome (SUNDS). Identifiers: Orphanet 130, MedGen C1142166, MONDO:0015263.

Allele frequency attached by ClinVar (database versions not stated): gnomAD exomes 0.00003; gnomAD 0.00004; ExAC 0.00006; TOPMed 0.00006; ESP Exome Variant Server 0.00015.
gnomAD v4.1: 102 of 1,614,076 alleles (0.0063%); highest among the groups gnomAD compares: South Asian, 0.0077%; no homozygotes.

Submissions (2):

Ambry Genetics
Classification: Uncertain significance for Cardiovascular phenotype. Last evaluated: 2024-12-13. Review status: criteria provided, single submitter. Criteria: Ambry Variant Classification Scheme 2023. Collection method: clinical testing. Allele origin: germline.
Comment: The p.R844C variant (also known as c.2530C>T), located in coding exon 15 of the SCN10A gene, results from a C to T substitution at nucleotide position 2530. The arginine at codon 844 is replaced by cysteine, an amino acid with highly dissimilar properties. This amino acid position is highly conserved in available vertebrate species. In addition, this alteration is predicted to be deleterious by in silico analysis. Since supporting evidence is limited at this time, the clinical significance of this alteration remains unclear.

Labcorp Genetics (formerly Invitae), Labcorp
Classification: Uncertain significance for Brugada syndrome. Last evaluated: 2024-10-01. Review status: criteria provided, single submitter. Criteria: Invitae Variant Classification Sherloc (09022015). Collection method: clinical testing. Allele origin: germline.
Comment: This sequence change replaces arginine, which is basic and polar, with cysteine, which is neutral and slightly polar, at codon 844 of the SCN10A protein (p.Arg844Cys). This variant is present in population databases (rs140158387, gnomAD 0.02%). This variant has not been reported in the literature in individuals affected with SCN10A-related conditions. ClinVar contains an entry for this variant (Variation ID: 242556). Invitae Evidence Modeling of protein sequence and biophysical properties (such as structural, functional, and spatial information, amino acid conservation, physicochemical variation, residue mobility, and thermodynamic stability) indicates that this missense variant is expected to disrupt SCN10A protein function with a positive predictive value of 80%. In summary, the available evidence is currently insufficient to determine the role of this variant in disease. Therefore, it has been classified as a Variant of Uncertain Significance.

NM_006514.4(SCN10A):c.2530C>T (p.Arg844Cys)

Gene: SCN10A (sodium voltage-gated channel alpha subunit 10; minus strand). Cytogenetic location: 3p22.2.
Variant type: single nucleotide variant.
Coding change: c.2530C>T on transcript NM_006514.4 (MANE Select); coding-DNA position 2530, C replaced by T.
Protein change: p.Arg844Cys; replaces arginine 844 with cysteine.
Molecular consequence: missense variant.
Genome position (GRCh38, 1-based): chr3:38,728,652, G>A on the plus strand (C>T on the coding strand, the complement: SCN10A is on the minus strand). VCF-style: chr3-38728652-G-A. GRCh37 (hg19) VCF-style: chr3-38770143-G-A.
Other names: c.2530C>T, p.Arg844Cys (NM_001293306.2); c.2236C>T, p.Arg746Cys (NM_001293307.2); short protein forms R844C, R746C.
Identifiers: ClinVar variation 242556 (VCV000242556.11), dbSNP rs140158387, ClinGen allele CA056051.
Genomic context (GRCh38, chr3:38,728,652, plus strand): 5'-ATTTTTGGCCAACTTCCATGCAGGCCCACATGTTCTCAATCCACTCTCCACAGAGGATAC[G>A]GAAGACAATGAGGAAAGAGTGGAAGAAGTCGTGCATGTGCCAGCGGGGCCAGTCTTCATG-3'
Protein context (NP_006505.4, residues 834-854): DFFHSFLIVF[Arg844Cys]ILCGEWIENM